The following is an entry in ClinVar:

ClinVar aggregate classification (germline): Uncertain significance (1 of 4 stars; one submission).

Conditions:
Inborn genetic diseases. Identifiers: MedGen C0950123, MeSH D030342.

Submission:

Ambry Genetics
Classification: Uncertain significance for Inborn genetic diseases. Last evaluated: 2025-02-14. Review status: criteria provided, single submitter. Criteria: Ambry Variant Classification Scheme 2023. Collection method: clinical testing. Allele origin: germline.
Comment: The p.S6F variant (also known as c.17C>T), located in coding exon 1 of the SAMD9L gene, results from a C to T substitution at nucleotide position 17. The serine at codon 6 is replaced by phenylalanine, an amino acid with highly dissimilar properties. This amino acid position is conserved. In addition, this alteration is predicted to be tolerated by in silico analysis. Based on the available evidence, the clinical significance of this variant remains unclear.

NM_152703.5(SAMD9L):c.17C>T (p.Ser6Phe)

Gene: SAMD9L (sterile alpha motif domain containing 9 like; minus strand). Cytogenetic location: 7q21.2.
Variant type: single nucleotide variant.
Coding change: c.17C>T on transcript NM_152703.5 (MANE Select); coding-DNA position 17, C replaced by T.
Protein change: p.Ser6Phe; replaces serine 6 with phenylalanine.
Molecular consequence: missense variant.
Genome position (GRCh38, 1-based): chr7:93,135,955, G>A on the plus strand (C>T on the coding strand, the complement: SAMD9L is on the minus strand). VCF-style: chr7-93135955-G-A. GRCh37 (hg19) VCF-style: chr7-92765268-G-A.
Other names: c.17C>T, p.Ser6Phe (NM_001303496.3, NM_001303497.3, NM_001303498.3 and 5 more transcripts); short protein forms S6F.
Identifiers: ClinVar variation 3792420 (VCV003792420.1).